The following is an entry in ClinVar:

ClinVar aggregate classification (germline): Uncertain significance (1 of 4 stars; one submission).

Conditions:
Ullrich congenital muscular dystrophy 2 (UCMD2). Identifiers: Orphanet 75840, MedGen C4225314, MONDO:0014654, OMIM 616470.
Bethlem myopathy 2 (BTHLM2). Identifiers: Orphanet 536516, Orphanet 610, MedGen C4225313, MONDO:0034022, OMIM 616471.

gnomAD v4.1: 7 of 1,608,230 alleles (0.00044%); highest among the groups gnomAD compares: Non-Finnish European, 0.00059%; no homozygotes.

Submission:

Labcorp Genetics (formerly Invitae), Labcorp
Classification: Uncertain significance for Bethlem myopathy 2; Ullrich congenital muscular dystrophy 2. Last evaluated: 2025-12-14. Review status: criteria provided, single submitter. Criteria: Invitae Variant Classification Sherloc (09022015). Collection method: clinical testing. Allele origin: germline.
Comment: This sequence change replaces proline, which is neutral and non-polar, with serine, which is neutral and polar, at codon 2983 of the COL12A1 protein (p.Pro2983Ser). The frequency data for this variant in the population databases is considered unreliable, as metrics indicate poor data quality at this position in the gnomAD database. This variant has not been reported in the literature in individuals affected with COL12A1-related conditions. ClinVar contains an entry for this variant (Variation ID: 3760571). An algorithm developed to predict the effect of missense changes on protein structure and function (PolyPhen-2) suggests that this variant is likely to be tolerated. In summary, the available evidence is currently insufficient to determine the role of this variant in disease. Therefore, it has been classified as a Variant of Uncertain Significance.

NM_004370.6(COL12A1):c.8947C>T (p.Pro2983Ser)

Gene: COL12A1 (collagen type XII alpha 1 chain; minus strand). Cytogenetic location: 6q13.
Variant type: single nucleotide variant.
Coding change: c.8947C>T on transcript NM_004370.6 (MANE Select); coding-DNA position 8947, C replaced by T.
Protein change: p.Pro2983Ser; replaces proline 2983 with serine.
Molecular consequence: missense variant.
Genome position (GRCh38, 1-based): chr6:75,089,169, G>A on the plus strand (C>T on the coding strand, the complement: COL12A1 is on the minus strand). VCF-style: chr6-75089169-G-A. GRCh37 (hg19) VCF-style: chr6-75798885-G-A.
Other names: c.8947C>T, p.Pro2983Ser (NM_001424113.1); c.8926C>T, p.Pro2976Ser (NM_001424114.1); c.8674C>T, p.Pro2892Ser (NM_001424115.1); c.5455C>T, p.Pro1819Ser (NM_001424116.1, NM_080645.3); short protein forms P1819S, P2892S, P2976S, P2983S.
Identifiers: ClinVar variation 3760571 (VCV003760571.2).
Genomic context (GRCh38, chr6:75,089,169, plus strand): 5'-GGGGGCCAGGCAGCCCCCGAGGTCCTGAAGATCCAGTACCCCTTTCACCTTTCTCTCCTG[G>A]CAAACCTAAGGAGGGAGAAAAAGAGAAAGCACAGGGGAAAAATTATCTGGAAGCATGTAA-3'
Protein context (NP_004361.3, residues 2973-2993): MQGPPGERGL[Pro2983Ser]GEKGERGTGS